The following is an entry in ClinVar:

NM_000038.6(APC):c.1834G>C (p.Ala612Pro)

Gene: APC (APC regulator of Wnt signaling pathway; plus strand). Cytogenetic location: 5q22.2.
Variant type: single nucleotide variant.
Coding change: c.1834G>C on transcript NM_000038.6 (MANE Select); coding-DNA position 1834, G replaced by C.
Protein change: p.Ala612Pro; replaces alanine 612 with proline.
Molecular consequence: missense variant.
Genome position (GRCh38, 1-based): chr5:112,835,041, G>C. VCF-style: chr5-112835041-G-C. GRCh37 (hg19) VCF-style: chr5-112170738-G-C.
Other names: c.1834G>C, p.Ala612Pro (NM_001127510.3, NM_001354895.2); c.1780G>C, p.Ala594Pro (NM_001127511.3); c.1888G>C, p.Ala630Pro (NM_001354896.2); c.1864G>C, p.Ala622Pro (NM_001354897.2); c.1759G>C, p.Ala587Pro (NM_001354898.2); c.1750G>C, p.Ala584Pro (NM_001354899.2); c.1711G>C, p.Ala571Pro (NM_001354900.2); c.1657G>C, p.Ala553Pro (NM_001354901.2); and 5 more; short protein forms A612P, A630P, A521P, A587P, A622P, A452P, A511P, A571P.
Identifiers: ClinVar variation 950965 (VCV000950965.6), dbSNP rs1038707565, ClinGen allele CA16025334.

ClinVar aggregate classification (germline): Uncertain significance (1 of 4 stars; one submission).

Conditions:
Familial adenomatous polyposis 1 (FAP1). Also called: POLYPOSIS, ADENOMATOUS INTESTINAL; FAMILIAL ADENOMATOUS POLYPOSIS 1, ATTENUATED. Identifiers: MedGen C2713442, MONDO:0021056, OMIM 175100. Disease mechanism: loss of function.

Submission:

Labcorp Genetics (formerly Invitae), Labcorp
Classification: Uncertain significance for Familial adenomatous polyposis 1. Last evaluated: 2022-07-11. Review status: criteria provided, single submitter. Criteria: Invitae Variant Classification Sherloc (09022015). Collection method: clinical testing. Allele origin: germline.
Comment: This variant has not been reported in the literature in individuals affected with APC-related conditions. This sequence change replaces alanine, which is neutral and non-polar, with proline, which is neutral and non-polar, at codon 612 of the APC protein (p.Ala612Pro). This variant is not present in population databases (gnomAD no frequency). ClinVar contains an entry for this variant (Variation ID: 950965). Algorithms developed to predict the effect of missense changes on protein structure and function are either unavailable or do not agree on the potential impact of this missense change (SIFT: "Deleterious"; PolyPhen-2: "Probably Damaging"; Align-GVGD: "Class C0"). In summary, the available evidence is currently insufficient to determine the role of this variant in disease. Therefore, it has been classified as a Variant of Uncertain Significance.